The following is an entry in ClinVar:

NM_000142.5(FGFR3):c.1146C>T (p.Gly382=)

Gene: FGFR3 (fibroblast growth factor receptor 3; plus strand). Cytogenetic location: 4p16.3.
Variant type: single nucleotide variant.
Coding change: c.1146C>T on transcript NM_000142.5 (MANE Select); coding-DNA position 1146, C replaced by T.
Protein change: p.Gly382=; no amino-acid change (glycine 382 retained).
Molecular consequence: synonymous variant. On other transcripts: non-coding transcript variant (1), intron variant (1).
Genome position (GRCh38, 1-based): chr4:1,804,400, C>T. VCF-style: chr4-1804400-C-T. GRCh37 (hg19) VCF-style: chr4-1806127-C-T.
Other names: c.1152C>T, p.Gly384= (NM_001163213.2); c.1146C>T, p.Gly382= (NM_001354809.2, NM_001354810.2); c.931-424C>T (NM_022965.4).
Identifiers: ClinVar variation 722132 (VCV000722132.9), dbSNP rs762689187, ClinGen allele CA2810273.

ClinVar aggregate classification (germline): Likely benign. Review status: criteria provided, single submitter (1 of 4 stars). 2 submissions from 2 submitters: Likely benign (1). 1 of the submissions does not count toward it. Last evaluated 2025-12-03.

Conditions:
FGFR3-related disorder. Also called: FGFR3-related disorders.

Allele frequency attached by ClinVar (database versions not stated): gnomAD exomes 0.00004; ExAC 0.00007; gnomAD 0.00006; TOPMed 0.00006.
gnomAD v4.1: 309 of 1,612,998 alleles (0.019%); highest among the groups gnomAD compares: Non-Finnish European, 0.025%; no homozygotes.

Submissions (2):

Labcorp Genetics (formerly Invitae), Labcorp
Classification: Likely benign. Last evaluated: 2025-12-03. Review status: criteria provided, single submitter. Criteria: Invitae Variant Classification Sherloc (09022015). Collection method: clinical testing. Allele origin: germline.

PreventionGenetics, part of Exact Sciences
Classification: Likely benign for FGFR3-related condition. Last evaluated: 2020-07-17. Review status: no assertion criteria provided. Collection method: clinical testing. Allele origin: germline. Not counted in ClinVar's aggregate classification.
Comment: This variant is classified as likely benign based on ACMG/AMP sequence variant interpretation guidelines (Richards et al. 2015 PMID: 25741868, with internal and published modifications).